The following is an entry in ClinVar:

NM_013275.6(ANKRD11):c.4156A>G (p.Arg1386Gly)

Gene: ANKRD11 (ankyrin repeat domain containing 11; minus strand). Cytogenetic location: 16q24.3.
Variant type: single nucleotide variant.
Coding change: c.4156A>G on transcript NM_013275.6 (MANE Select); coding-DNA position 4156, A replaced by G.
Protein change: p.Arg1386Gly; replaces arginine 1386 with glycine.
Molecular consequence: missense variant.
Genome position (GRCh38, 1-based): chr16:89,282,386, T>C on the plus strand (A>G on the coding strand, the complement: ANKRD11 is on the minus strand). VCF-style: chr16-89282386-T-C. GRCh37 (hg19) VCF-style: chr16-89348794-T-C.
Other names: c.4156A>G, p.Arg1386Gly (NM_001256182.2, NM_001256183.2); short protein forms R1386G.
Identifiers: ClinVar variation 3371813 (VCV003371813.1).

ClinVar aggregate classification (germline): Uncertain significance (1 of 4 stars; one submission).

Submission:

GeneDx
Classification: Uncertain significance. Last evaluated: 2024-04-01. Review status: criteria provided, single submitter. Criteria: GeneDx Variant Classification Process June 2021. Collection method: clinical testing. Allele origin: germline. Affected: yes.
Comment: Not observed at significant frequency in large population cohorts (gnomAD); In silico analysis supports that this missense variant does not alter protein structure/function; Has not been previously published as pathogenic or benign to our knowledge